The following is an entry in ClinVar:

ClinVar aggregate classification (germline): Uncertain significance. Review status: criteria provided, multiple submitters, no conflicts (2 of 4 stars). 2 submissions from 2 submitters: Uncertain significance (2). Last evaluated 2025-07-15.

Conditions:
Brugada syndrome. Also called: Sudden unexpected nocturnal death syndrome; Sudden Unexplained Death Syndrome; Sudden Unexplained Nocturnal Death Syndrome (SUNDS); Sudden unexplained nocturnal death syndrome. Identifiers: Orphanet 130, MedGen C1142166, MONDO:0015263.

Allele frequency attached by ClinVar (database versions not stated): gnomAD exomes 0.00001; ExAC 0.00002; TOPMed 0.00002; gnomAD 0.00003; ESP Exome Variant Server 0.00015.
gnomAD v4.1: 16 of 1,576,234 alleles (0.001%); highest among the groups gnomAD compares: Non-Finnish European, 0.0014%; no homozygotes.

Submissions (2):

Ambry Genetics
Classification: Uncertain significance. Last evaluated: 2025-07-15. Review status: criteria provided, single submitter. Criteria: Ambry Variant Classification Scheme 2023. Collection method: clinical testing. Allele origin: germline.

Labcorp Genetics (formerly Invitae), Labcorp
Classification: Uncertain significance for Brugada syndrome. Last evaluated: 2023-05-22. Review status: criteria provided, single submitter. Criteria: Invitae Variant Classification Sherloc (09022015). Collection method: clinical testing. Allele origin: germline.
Comment: In summary, the available evidence is currently insufficient to determine the role of this variant in disease. Therefore, it has been classified as a Variant of Uncertain Significance. An algorithm developed to predict the effect of missense changes on protein structure and function (PolyPhen-2) suggests that this variant is likely to be tolerated. ClinVar contains an entry for this variant (Variation ID: 1743401). This variant has not been reported in the literature in individuals affected with SLMAP-related conditions. This variant is present in population databases (rs149818070, gnomAD 0.002%). This sequence change replaces tyrosine, which is neutral and polar, with serine, which is neutral and polar, at codon 161 of the SLMAP protein (p.Tyr161Ser).

NM_001377540.1(SLMAP):c.482A>C (p.Tyr161Ser)

Gene: SLMAP (sarcolemma associated protein; plus strand). Cytogenetic location: 3p14.3.
Variant type: single nucleotide variant.
Coding change: c.482A>C on transcript NM_001377540.1 (MANE Select); coding-DNA position 482, A replaced by C.
Protein change: p.Tyr161Ser; replaces tyrosine 161 with serine.
Molecular consequence: missense variant. On other transcripts: non-coding transcript variant (1).
Genome position (GRCh38, 1-based): chr3:57,849,779, A>C. VCF-style: chr3-57849779-A-C. GRCh37 (hg19) VCF-style: chr3-57835506-A-C.
Other names: c.482A>C, p.Tyr161Ser (NM_001304420.3, NM_001304421.2, NM_001377538.1 and 17 more transcripts); short protein forms Y161S.
Identifiers: ClinVar variation 1743401 (VCV001743401.9), dbSNP rs149818070, ClinGen allele CA2466847.
Genomic context (GRCh38, chr3:57,849,779, plus strand): 5'-GTGTTTTCTGTTGATACTGTGTCATTTGTTTCTAGGTTGCTGCTAACACTCCAAGTATGT[A>C]CTCTCAGGAACTATTCCAGCTTTCTCAGTATCTACAGGTAAAAGTACATCTTGAGACTTC-3'
Protein context (NP_001364469.1, residues 151-171): DKVAANTPSM[Tyr161Ser]SQELFQLSQY